The following is an entry in ClinVar:

NM_001376.5(DYNC1H1):c.8508-18A>G

Gene: DYNC1H1 (dynein cytoplasmic 1 heavy chain 1; plus strand). Cytogenetic location: 14q32.31.
Variant type: single nucleotide variant.
Coding change: c.8508-18A>G on transcript NM_001376.5 (MANE Select); 18 bases into the intron before coding-DNA position 8508, A replaced by G.
Molecular consequence: intron variant.
Genome position (GRCh38, 1-based): chr14:102,022,733, A>G. VCF-style: chr14-102022733-A-G. GRCh37 (hg19) VCF-style: chr14-102489070-A-G.
Identifiers: ClinVar variation 509630 (VCV000509630.5), dbSNP rs767229783, ClinGen allele CA7353043.
Genomic context (GRCh38, chr14:102,022,733, plus strand): 5'-ACCCACAAACATGGTGAACATGGTGCTTCTTCACCGTGCCCTCTAGTTACCTAAATGCAC[A>G]TGCTGCTCTCCCCACAGACTCGTAGAGGATGAGGAGAGGCGTTGGACTGATGAGAACATC-3'

ClinVar aggregate classification (germline): Likely benign. Review status: criteria provided, multiple submitters, no conflicts (2 of 4 stars). 2 submissions from 2 submitters: Likely benign (2). Last evaluated 2025-07-16.

Conditions:
Charcot-Marie-Tooth disease axonal type 2O. Also called: CHARCOT-MARIE-TOOTH NEUROPATHY, AXONAL, TYPE 2O; CHARCOT-MARIE-TOOTH DISEASE, AXONAL, AUTOSOMAL DOMINANT, TYPE 2O; Charcot-Marie-Tooth Neuropathy Type 2O; Charcot-Marie-Tooth disease, axonal, type 20. Identifiers: Orphanet 284232, MedGen C3280220, MONDO:0013644, OMIM 614228.

Allele frequency attached by ClinVar (database versions not stated): TOPMed below 0.00001; ExAC 0.00001; gnomAD exomes 0.00001 and 0.00003.
gnomAD v4.1: 39 of 1,613,996 alleles (0.0024%); highest among the groups gnomAD compares: Non-Finnish European, 0.0032%; no homozygotes.

Submissions (2):

Labcorp Genetics (formerly Invitae), Labcorp
Classification: Likely benign for Charcot-Marie-Tooth disease axonal type 2O. Last evaluated: 2025-07-16. Review status: criteria provided, single submitter. Criteria: Invitae Variant Classification Sherloc (09022015). Collection method: clinical testing. Allele origin: germline.

GeneDx
Classification: Likely benign. Last evaluated: 2017-06-01. Review status: criteria provided, single submitter. Criteria: GeneDx Variant Classification (06012015). Collection method: clinical testing. Allele origin: germline. Affected: yes.
Comment: This variant is considered likely benign or benign based on one or more of the following criteria: it is a conservative change, it occurs at a poorly conserved position in the protein, it is predicted to be benign by multiple in silico algorithms, and/or has population frequency not consistent with disease.